The following is an entry in ClinVar:

ClinVar aggregate classification (germline): Uncertain significance (1 of 4 stars; one submission).

gnomAD v4.1: 2 of 1,613,182 alleles (0.00012%); highest among the groups gnomAD compares: Non-Finnish European, 0.000085%; no homozygotes.

Submission:

Labcorp Genetics (formerly Invitae), Labcorp
Classification: Uncertain significance. Last evaluated: 2024-05-07. Review status: criteria provided, single submitter. Criteria: Invitae Variant Classification Sherloc (09022015). Collection method: clinical testing. Allele origin: germline.
Comment: This sequence change replaces serine, which is neutral and polar, with phenylalanine, which is neutral and non-polar, at codon 71 of the SEPT9 protein (p.Ser71Phe). This variant is not present in population databases (gnomAD no frequency). This variant has not been reported in the literature in individuals affected with SEPT9-related conditions. An algorithm developed to predict the effect of missense changes on protein structure and function (PolyPhen-2) suggests that this variant is likely to be disruptive. In summary, the available evidence is currently insufficient to determine the role of this variant in disease. Therefore, it has been classified as a Variant of Uncertain Significance.

NM_001113491.2(SEPTIN9):c.266C>T (p.Ser89Phe)

Gene: SEPTIN9 (septin 9; plus strand). Cytogenetic location: 17q25.3.
Variant type: single nucleotide variant.
Coding change: c.266C>T on transcript NM_001113491.2 (MANE Select); coding-DNA position 266, C replaced by T.
Protein change: p.Ser89Phe; replaces serine 89 with phenylalanine.
Molecular consequence: missense variant. On other transcripts: 5 prime UTR variant (2).
Genome position (GRCh38, 1-based): chr17:77,402,248, C>T. VCF-style: chr17-77402248-C-T. GRCh37 (hg19) VCF-style: chr17-75398330-C-T.
Other names: c.-227C>T (NM_001113492.2, NM_001113494.1); c.245C>T, p.Ser82Phe (NM_001113493.2); c.209C>T, p.Ser70Phe (NM_001293695.2); c.212C>T, p.Ser71Phe (NM_006640.5); short protein forms S70F, S82F, S89F, S71F.
Identifiers: ClinVar variation 3652479 (VCV003652479.2).